The following is an entry in ClinVar:

ClinVar aggregate classification (germline): Uncertain significance. Review status: criteria provided, multiple submitters, no conflicts (2 of 4 stars). 2 submissions from 2 submitters: Uncertain significance (2). Last evaluated 2025-07-02.

Allele frequency attached by ClinVar (database versions not stated): ExAC 0.00001; TOPMed 0.00002.
gnomAD v4.1: 4 of 1,613,974 alleles (0.00025%); highest among the groups gnomAD compares: South Asian, 0.0011%; no homozygotes.

Submissions (2):

Labcorp Genetics (formerly Invitae), Labcorp
Classification: Uncertain significance. Last evaluated: 2025-07-02. Review status: criteria provided, single submitter. Criteria: Invitae Variant Classification Sherloc (09022015). Collection method: clinical testing. Allele origin: germline.
Comment: This sequence change replaces alanine, which is neutral and non-polar, with threonine, which is neutral and polar, at codon 134 of the ACVR1 protein (p.Ala134Thr). This variant is present in population databases (rs765195676, gnomAD 0.006%). This variant has not been reported in the literature in individuals affected with ACVR1-related conditions. ClinVar contains an entry for this variant (Variation ID: 2957108). An algorithm developed to predict the effect of missense changes on protein structure and function (PolyPhen-2) suggests that this variant is likely to be tolerated. In summary, the available evidence is currently insufficient to determine the role of this variant in disease. Therefore, it has been classified as a Variant of Uncertain Significance.

Women's Health and Genetics/Laboratory Corporation of America, LabCorp
Classification: Uncertain significance. Last evaluated: 2025-05-20. Review status: criteria provided, single submitter. Criteria: LabCorp Variant Classification Summary - May 2015. Collection method: clinical testing. Allele origin: germline.
Comment: Variant summary: ACVR1 c.400G>A (p.Ala134Thr) results in a non-conservative amino acid change in the encoded protein sequence. Algorithms developed to predict the effect of missense changes on protein structure and function are either unavailable or do not agree on the potential impact of this missense change. The variant allele was found at a frequency of 1.2e-05 in 251030 control chromosomes (gnomAD). The available data on variant occurrences in the general population are insufficient to allow any conclusion about variant significance. To our knowledge, no occurrence of c.400G>A in individuals affected with Progressive Myositis Ossificans and no experimental evidence demonstrating its impact on protein function have been reported. ClinVar contains an entry for this variant (Variation ID: 2957108). Based on the evidence outlined above, the variant was classified as uncertain significance.

NM_001111067.4(ACVR1):c.400G>A (p.Ala134Thr)

Gene: ACVR1 (activin A receptor type 1; minus strand). Cytogenetic location: 2q24.1.
Variant type: single nucleotide variant.
Coding change: c.400G>A on transcript NM_001111067.4 (MANE Select); coding-DNA position 400, G replaced by A.
Protein change: p.Ala134Thr; replaces alanine 134 with threonine.
Molecular consequence: missense variant.
Genome position (GRCh38, 1-based): chr2:157,778,274, C>T on the plus strand (G>A on the coding strand, the complement: ACVR1 is on the minus strand). VCF-style: chr2-157778274-C-T. GRCh37 (hg19) VCF-style: chr2-158634786-C-T.
Other names: c.400G>A, p.Ala134Thr (NM_001105.5, NM_001347663.1, NM_001347664.1 and 3 more transcripts); short protein forms A134T.
Identifiers: ClinVar variation 2957108 (VCV002957108.4), dbSNP rs765195676, ClinGen allele CA1919163.